The following is an entry in ClinVar:

ClinVar aggregate classification (germline): Uncertain significance (1 of 4 stars; one submission).

Conditions:
Hereditary spastic paraplegia 43. Also called: Spastic paraplegia 43, autosomal recessive. Identifiers: Orphanet 320370, MedGen C2680446, MONDO:0014024, OMIM 615043.

gnomAD v4.1: 1 of 1,614,126 alleles (0.000062%); highest among the groups gnomAD compares: South Asian, 0.0011%; no homozygotes.

Submission:

Labcorp Genetics (formerly Invitae), Labcorp
Classification: Uncertain significance for Hereditary spastic paraplegia 43. Last evaluated: 2025-05-05. Review status: criteria provided, single submitter. Criteria: Invitae Variant Classification Sherloc (09022015). Collection method: clinical testing. Allele origin: germline.
Comment: This sequence change replaces isoleucine, which is neutral and non-polar, with valine, which is neutral and non-polar, at codon 106 of the C19orf12 protein (p.Ile106Val). This variant is not present in population databases (gnomAD no frequency). This variant has not been reported in the literature in individuals affected with C19orf12-related conditions. ClinVar contains an entry for this variant (Variation ID: 3666441). An algorithm developed to predict the effect of missense changes on protein structure and function outputs the following: PolyPhen-2: "Benign". The valine amino acid residue is found in multiple mammalian species, which suggests that this missense change does not adversely affect protein function. In summary, the available evidence is currently insufficient to determine the role of this variant in disease. Therefore, it has been classified as a Variant of Uncertain Significance.

NM_031448.6(C19orf12):c.283A>G (p.Ile95Val)

Gene: C19orf12 (chromosome 19 open reading frame 12; minus strand). Cytogenetic location: 19q12.
Variant type: single nucleotide variant.
Coding change: c.283A>G on transcript NM_031448.6 (MANE Select); coding-DNA position 283, A replaced by G.
Protein change: p.Ile95Val; replaces isoleucine 95 with valine.
Molecular consequence: missense variant.
Genome position (GRCh38, 1-based): chr19:29,702,855, T>C on the plus strand (A>G on the coding strand, the complement: C19orf12 is on the minus strand). VCF-style: chr19-29702855-T-C. GRCh37 (hg19) VCF-style: chr19-30193762-T-C.
Other names: c.283A>G, p.Ile95Val (NM_001031726.4, NM_001256046.3, NM_001256047.2); c.91A>G, p.Ile31Val (NM_001282929.1, NM_001282930.3, NM_001282931.3); short protein forms I95V, I31V.
Identifiers: ClinVar variation 3666441 (VCV003666441.2).